The following is an entry in ClinVar:

ClinVar aggregate classification (germline): Uncertain significance. Review status: criteria provided, multiple submitters, no conflicts (2 of 4 stars). 3 submissions from 3 submitters: Uncertain significance (3). Last evaluated 2025-11-17.

Allele frequency attached by ClinVar (database versions not stated): 1000 Genomes Project 30x 0.00016; gnomAD 0.00017; TOPMed 0.00017; ExAC 0.00018; 1000 Genomes Project 0.00020; gnomAD exomes 0.00030.
gnomAD v4.1: 444 of 1,535,756 alleles (0.029%); highest among the groups gnomAD compares: Non-Finnish European, 0.036%; no homozygotes.

Submissions (3):

Labcorp Genetics (formerly Invitae), Labcorp
Classification: Uncertain significance. Last evaluated: 2025-11-17. Review status: criteria provided, single submitter. Criteria: Invitae Variant Classification Sherloc (09022015). Collection method: clinical testing. Allele origin: germline.
Comment: This sequence change replaces alanine, which is neutral and non-polar, with threonine, which is neutral and polar, at codon 185 of the GUF1 protein (p.Ala185Thr). This variant is present in population databases (rs200347842, gnomAD 0.03%). This variant has not been reported in the literature in individuals affected with GUF1-related conditions. ClinVar contains an entry for this variant (Variation ID: 2067065). Invitae Evidence Modeling of protein sequence and biophysical properties (such as structural, functional, and spatial information, amino acid conservation, physicochemical variation, residue mobility, and thermodynamic stability) indicates that this missense variant is not expected to disrupt GUF1 protein function with a negative predictive value of 80%. In summary, the available evidence is currently insufficient to determine the role of this variant in disease. Therefore, it has been classified as a Variant of Uncertain Significance.

Ambry Genetics
Classification: Uncertain significance. Last evaluated: 2024-12-30. Review status: criteria provided, single submitter. Criteria: Ambry Variant Classification Scheme 2023. Collection method: clinical testing. Allele origin: germline.

Blueprint Genetics
Classification: Uncertain significance. Last evaluated: 2023-05-17. Review status: criteria provided, single submitter. Criteria: ACMG Guidelines, 2015. Collection method: clinical testing. Allele origin: germline.

NM_021927.3(GUF1):c.553G>A (p.Ala185Thr)

Gene: GUF1 (GTP binding elongation factor GUF1; plus strand). Cytogenetic location: 4p12.
Variant type: single nucleotide variant.
Coding change: c.553G>A on transcript NM_021927.3 (MANE Select); coding-DNA position 553, G replaced by A.
Protein change: p.Ala185Thr; replaces alanine 185 with threonine.
Molecular consequence: missense variant. On other transcripts: 5 prime UTR variant (2).
Genome position (GRCh38, 1-based): chr4:44,682,379, G>A. VCF-style: chr4-44682379-G-A. GRCh37 (hg19) VCF-style: chr4-44684396-G-A.
Other names: c.-416G>A (NM_001345867.2); c.553G>A, p.Ala185Thr (NM_001345868.2); c.-420G>A (NM_001345869.2); short protein forms A185T.
Identifiers: ClinVar variation 2067065 (VCV002067065.7), dbSNP rs200347842, ClinGen allele CA2905337.